The following is an entry in ClinVar:

NM_001353345.2(SETD1B):c.2485G>A (p.Gly829Ser)

Gene: SETD1B (SET domain containing 1B, histone lysine methyltransferase; plus strand). Cytogenetic location: 12q24.31.
Variant type: single nucleotide variant.
Coding change: c.2485G>A on transcript NM_001353345.2 (MANE Select); coding-DNA position 2485, G replaced by A.
Protein change: p.Gly829Ser; replaces glycine 829 with serine.
Molecular consequence: missense variant.
Genome position (GRCh38, 1-based): chr12:121,814,700, G>A. VCF-style: chr12-121814700-G-A. GRCh37 (hg19) VCF-style: chr12-122252606-G-A.
Other names: short protein forms G829S.
Identifiers: ClinVar variation 2643448 (VCV002643448.24), dbSNP rs2500202279, ClinGen allele CA386994754.

ClinVar aggregate classification (germline): Uncertain significance (1 of 4 stars; one submission).

Submission:

CeGaT Center for Human Genetics Tuebingen
Classification: Uncertain significance. Last evaluated: 2022-12-01. Review status: criteria provided, single submitter. Criteria: CeGaT Center For Human Genetics Tuebingen Variant Classification Criteria Version 2. Collection method: clinical testing. Allele origin: germline. Affected: yes. Observed: 1 variant allele.
Comment: SETD1B: PM2, PP2